The following is an entry in ClinVar:

NM_006623.4(PHGDH):c.557T>A (p.Phe186Tyr)

Gene: PHGDH (phosphoglycerate dehydrogenase; plus strand). Cytogenetic location: 1p12.
Variant type: single nucleotide variant.
Coding change: c.557T>A on transcript NM_006623.4 (MANE Select); coding-DNA position 557, T replaced by A.
Protein change: p.Phe186Tyr; replaces phenylalanine 186 with tyrosine.
Molecular consequence: missense variant.
Genome position (GRCh38, 1-based): chr1:119,734,680, T>A. VCF-style: chr1-119734680-T-A. GRCh37 (hg19) VCF-style: chr1-120277303-T-A.
Other names: short protein forms F186Y.
Identifiers: ClinVar variation 4538048 (VCV004538048.1).

ClinVar aggregate classification (germline): Uncertain significance (1 of 4 stars; one submission).

Submission:

GeneDx
Classification: Uncertain significance. Last evaluated: 2025-06-10. Review status: criteria provided, single submitter. Criteria: GeneDx Variant Classification Process June 2021. Collection method: clinical testing. Allele origin: germline. Affected: yes.
Comment: Not observed at significant frequency in large population cohorts (gnomAD); In silico analysis suggests that this missense variant does not alter protein structure/function; Has not been previously published as pathogenic or benign to our knowledge